The following is an entry in ClinVar:

ClinVar aggregate classification (germline): Uncertain significance (1 of 4 stars; one submission).

Conditions:
Ataxia-telangiectasia syndrome (AT). Also called: LOUIS-BAR SYNDROME; Cerebello-oculocutaneous telangiectasia; Immunodeficiency with ataxia telangiectasia; Ataxia telangiectasia (A-T); Ataxia-telangiectasia, complementation group D; AT, COMPLEMENTATION GROUP C. Identifiers: Orphanet 100, MedGen C0004135, MONDO:0008840, OMIM 208900.

Submission:

Labcorp Genetics (formerly Invitae), Labcorp
Classification: Uncertain significance for Ataxia-telangiectasia syndrome. Last evaluated: 2021-05-05. Review status: criteria provided, single submitter. Criteria: Invitae Variant Classification Sherloc (09022015). Collection method: clinical testing. Allele origin: germline.
Comment: In summary, the available evidence is currently insufficient to determine the role of this variant in disease. Therefore, it has been classified as a Variant of Uncertain Significance. Algorithms developed to predict the effect of missense changes on protein structure and function are either unavailable or do not agree on the potential impact of this missense change (SIFT: "Deleterious"; PolyPhen-2: "Probably Damaging"; Align-GVGD: "Class C0"). This variant has not been reported in the literature in individuals with ATM-related conditions. This variant is not present in population databases (ExAC no frequency). This sequence change replaces glutamine with glutamic acid at codon 2762 of the ATM protein (p.Gln2762Glu). The glutamine residue is highly conserved and there is a small physicochemical difference between glutamine and glutamic acid.

NM_000051.4(ATM):c.8284C>G (p.Gln2762Glu)

Genes: ATM (ATM serine/threonine kinase; plus strand), C11orf65 (chromosome 11 open reading frame 65; minus strand). Cytogenetic location: 11q22.3.
Variant type: single nucleotide variant.
Coding change: c.8284C>G on transcript NM_000051.4 (MANE Select); coding-DNA position 8284, C replaced by G.
Protein change: p.Gln2762Glu; replaces glutamine 2762 with glutamic acid.
Molecular consequence: missense variant. On other transcripts: intron variant (2).
Genome position (GRCh38, 1-based): chr11:108,343,237, C>G. VCF-style: chr11-108343237-C-G. GRCh37 (hg19) VCF-style: chr11-108213964-C-G.
Other names: c.8284C>G, p.Gln2762Glu (NM_001351834.2); c.641-34166G>C (NM_001330368.2); c.695-7945G>C (NM_001351110.2); short protein forms Q2762E.
Identifiers: ClinVar variation 1508531 (VCV001508531.8), dbSNP rs751574257, ClinGen allele CA382516310.